The following is an entry in ClinVar:

NM_001040716.2(PC):c.3359_3362dup (p.Ile1123fs)

Gene: PC (pyruvate carboxylase; minus strand). Cytogenetic location: 11q13.2.
Variant type: Duplication.
Coding change: c.3359_3362dup on transcript NM_001040716.2 (MANE Select); coding-DNA positions 3359 to 3362, 4 bases duplicated (TGAT; older notation c.3359_3362dupTGAT).
Protein change: p.Ile1123fs; shifts the reading frame from isoleucine 1123.
Molecular consequence: frameshift variant.
Genome position (GRCh38, 1-based): chr11:66,849,074-66,849,077, ATCA duplicated on the plus strand (TGAT on the coding strand, the reverse complement: PC is on the minus strand). VCF-style (leftmost placement, unchanged base first): chr11-66849073-T-TATCA. GRCh37 (hg19) VCF-style: chr11-66616544-T-TATCA.
Other names: c.3359_3362dup, p.Ile1123fs (NM_000920.4, NM_022172.3); c.3359_3362dupTGAT (NM_000920.3); short protein forms I1123fs.
Identifiers: ClinVar variation 555085 (VCV000555085.5), dbSNP rs1555013840, ClinGen allele CA658821718.
Genomic context (GRCh38, chr11:66,849,073, plus strand): 5'-ACTGAGCACACACAGGGGCTGGCCCTTGGCCACCTTGGCCCCTGCCACCACTTTGATGTC[T>TATCA]ATCACCTTCCCAGGCATGGGCGCCCCGATCTGGCCCTTCACGTCCTTTAGGGCCTTGGGG-3'

ClinVar aggregate classification (germline): Pathogenic. Review status: criteria provided, single submitter (1 of 4 stars). 2 submissions from 2 submitters: Pathogenic (1). 1 of the submissions does not count toward it. Last evaluated 2023-04-10.

Conditions:
Pyruvate carboxylase deficiency. Also called: ATAXIA WITH LACTIC ACIDOSIS II; LEIGH NECROTIZING ENCEPHALOPATHY DUE TO PYRUVATE CARBOXYLASE DEFICIENCY; LEIGH SYNDROME DUE TO PYRUVATE CARBOXYLASE DEFICIENCY; PC DEFICIENCY; Pyruvate Carboxylase Deficiency Disease. Identifiers: Orphanet 3008, MedGen C0034341, MONDO:0009949, OMIM 266150.

Allele frequency attached by ClinVar (database versions not stated): gnomAD exomes below 0.00001.

Submissions (2):

Labcorp Genetics (formerly Invitae), Labcorp
Classification: Pathogenic for Pyruvate carboxylase deficiency. Last evaluated: 2023-04-10. Review status: criteria provided, single submitter. Criteria: Invitae Variant Classification Sherloc (09022015). Collection method: clinical testing. Allele origin: germline.
Comment: For these reasons, this variant has been classified as Pathogenic. This variant disrupts a region of the PC protein in which other variant(s) (p.Leu1137Valfs*34) have been determined to be pathogenic (PMID: 18676167). This suggests that this is a clinically significant region of the protein, and that variants that disrupt it are likely to be disease-causing. ClinVar contains an entry for this variant (Variation ID: 555085). This variant has not been reported in the literature in individuals affected with PC-related conditions. This variant is not present in population databases (gnomAD no frequency). This sequence change creates a premature translational stop signal (p.Ile1123Argfs*50) in the PC gene. While this is not anticipated to result in nonsense mediated decay, it is expected to disrupt the last 56 amino acid(s) of the PC protein.

Counsyl
Classification: Likely pathogenic for Pyruvate carboxylase deficiency. Last evaluated: 2017-11-17. Review status: no assertion criteria provided. Collection method: clinical testing. Allele origin: unknown. Not counted in ClinVar's aggregate classification.

Literature cited by the submitters: PubMed 18676167 (cited by Labcorp Genetics (formerly Invitae), Labcorp and Counsyl); PubMed 23430542 (cited by Counsyl).